The following is an entry in ClinVar:

NM_201378.4(PLEC):c.-2_22del (p.Met1_Glu8del)

Gene: PLEC (plectin; minus strand). Cytogenetic location: 8q24.3.
Variant type: Deletion.
Coding change: c.-2_22del on transcript NM_201378.4 (MANE Plus Clinical); 2 bases upstream of the start codon through coding-DNA position 22, 24 bases deleted (GCATGGCCGGCCCGCTGCCCGACG).
Protein change: p.Met1_Glu8del.
Molecular consequence: inframe deletion, initiator codon variant. On other transcripts: intron variant (2).
Genome position (GRCh38, 1-based): chr8:143,973,451-143,973,474, CGTCGGGCAGCGGGCCGGCCATGC deleted on the plus strand (GCATGGCCGGCCCGCTGCCCGACG on the coding strand, the reverse complement: PLEC is on the minus strand); deleting any 24 consecutive bases within chr8:143,973,451-143,973,476 gives the same sequence; the c. name uses the placement nearest the transcript's 3' end. VCF-style (leftmost placement, unchanged base first): chr8-143973450-TCGTCGGGCAGCGGGCCGGCCATGC-T. GRCh37 (hg19) VCF-style: chr8-145047618-TCGTCGGGCAGCGGGCCGGCCATGC-T.
Other names: NM_201378.4:c.-2_22del; c.193+1703_193+1726del (NM_001410941.1, NM_000445.5).
Identifiers: ClinVar variation 2500860 (VCV002500860.2), dbSNP rs2540060629, ClinGen allele CA2573332161.

ClinVar aggregate classification (germline): Uncertain significance (1 of 4 stars; one submission).

Conditions:
Autosomal recessive limb-girdle muscular dystrophy. Identifiers: Orphanet 102015, MedGen C2931907, MONDO:0015152.

Submission:

Broad Center for Mendelian Genomics, Broad Institute of MIT and Harvard
Classification: Uncertain significance for Autosomal recessive limb-girdle muscular dystrophy. Last evaluated: 2023-05-02. Review status: criteria provided, single submitter. Criteria: ACMG Guidelines, 2015. Collection method: curation. Allele origin: germline. Inheritance: Autosomal recessive inheritance.
Comment: Duo genome analysis suggests that this variant was in trans with a likely pathogenic variant (NC_000008.11:g.143934051C>A), however, the phase of these variants are unknown at this time. The c.-2_22del variant in PLEC has not been previously reported in individuals with autosomal recessive limb-girdle dystrophy 17. This variant was absent from large population studies. Computational prediction tools and conservation analyses suggest that this variant may impact the protein, though this information is not predictive enough to determine pathogenicity. In summary, the clinical significance of the c.-2_22del variant is uncertain. ACMG/AMP Criteria applied: PM2_Supporting, PP3 (Richards 2015).